The following is an entry in ClinVar:

ClinVar aggregate classification (germline): Uncertain significance (1 of 4 stars; one submission).

gnomAD v4.1: 1 of 1,613,982 alleles (0.000062%); highest among the groups gnomAD compares: African/African-American, 0.0013%; no homozygotes.

Submission:

Women's Health and Genetics/Laboratory Corporation of America, LabCorp
Classification: Uncertain significance. Last evaluated: 2025-04-22. Review status: criteria provided, single submitter. Criteria: LabCorp Variant Classification Summary - May 2015. Collection method: clinical testing. Allele origin: germline.
Comment: Variant summary: CYP11B1 c.395+3A>G alters a conserved nucleotide located close to a canonical splice site and therefore could affect mRNA splicing, leading to a significantly altered protein sequence. Several computational tools predict a significant impact on normal splicing: Three predict the variant weakens a 5' donor site. However, these predictions have yet to be confirmed by functional studies. The variant was absent in 251236 control chromosomes. The available data on variant occurrences in the general population are insufficient to allow any conclusion about variant significance. c.395+3A>G has been observed in the compound heterozygous state in at least one individual affected with Congenital Adrenal Hyperplasia (Bas_2018). These data do not allow any conclusion about variant significance. To our knowledge, no experimental evidence demonstrating an impact on protein function has been reported. The following publication have been ascertained in the context of this evaluation (PMID: 29626607). No submitters have cited clinical-significance assessments for this variant to ClinVar. Based on the evidence outlined above, the variant was classified as uncertain significance.

Literature cited by the submitters: PubMed 29626607.

NM_000497.4(CYP11B1):c.395+3A>G

Gene: CYP11B1 (cytochrome P450 family 11 subfamily B member 1; minus strand). Cytogenetic location: 8q24.3.
Variant type: single nucleotide variant.
Coding change: c.395+3A>G on transcript NM_000497.4 (MANE Select); 3 bases into the intron after coding-DNA position 395, A replaced by G.
Molecular consequence: intron variant.
Genome position (GRCh38, 1-based): chr8:142,879,029, T>C on the plus strand (A>G on the coding strand, the complement: CYP11B1 is on the minus strand). VCF-style: chr8-142879029-T-C. GRCh37 (hg19) VCF-style: chr8-143960445-T-C.
Other names: c.395+3A>G (NM_001026213.1).
Identifiers: ClinVar variation 3896122 (VCV003896122.2).